The following is an entry in ClinVar:

NM_020911.2(PLXNA4):c.3702C>T (p.Leu1234=)

Gene: PLXNA4 (plexin A4; minus strand). Cytogenetic location: 7q32.3.
Variant type: single nucleotide variant.
Coding change: c.3702C>T on transcript NM_020911.2 (MANE Select); coding-DNA position 3702, C replaced by T.
Protein change: p.Leu1234=; no amino-acid change (leucine 1234 retained).
Molecular consequence: synonymous variant.
Genome position (GRCh38, 1-based): chr7:132,179,859, G>A on the plus strand (C>T on the coding strand, the complement: PLXNA4 is on the minus strand). VCF-style: chr7-132179859-G-A. GRCh37 (hg19) VCF-style: chr7-131864618-G-A.
Other names: c.3702C>T, p.Leu1234= (NM_001393897.1).
Identifiers: ClinVar variation 3029701 (VCV003029701.2), dbSNP rs372461782, ClinGen allele CA166980087.

ClinVar aggregate classification (germline): Likely benign (0 of 4 stars; one submission).

Conditions:
PLXNA4-related disorder. Also called: PLXNA4-related condition.

Allele frequency attached by ClinVar (database versions not stated): gnomAD 0.00001; ESP Exome Variant Server 0.00008.
gnomAD v4.1: 5 of 1,613,292 alleles (0.00031%); highest among the groups gnomAD compares: African/African-American, 0.004%; no homozygotes.

Submission:

PreventionGenetics, part of Exact Sciences
Classification: Likely benign for PLXNA4-related condition. Last evaluated: 2023-06-22. Review status: no assertion criteria provided. Collection method: clinical testing. Allele origin: germline.
Comment: This variant is classified as likely benign based on ACMG/AMP sequence variant interpretation guidelines (Richards et al. 2015 PMID: 25741868, with internal and published modifications).